The following is an entry in ClinVar:

NM_001985.3(ETFB):c.439-1G>A

Gene: ETFB (electron transfer flavoprotein subunit beta; minus strand). Cytogenetic location: 19q13.41.
Variant type: single nucleotide variant.
Coding change: c.439-1G>A on transcript NM_001985.3 (MANE Select); the canonical splice acceptor site of the intron before coding-DNA position 439, G replaced by A.
Molecular consequence: splice acceptor variant.
Genome position (GRCh38, 1-based): chr19:51,347,059, C>T on the plus strand (G>A on the coding strand, the complement: ETFB is on the minus strand). VCF-style: chr19-51347059-C-T. GRCh37 (hg19) VCF-style: chr19-51850313-C-T.
Other names: c.712-1G>A (NM_001014763.1).
Identifiers: ClinVar variation 2784144 (VCV002784144.3), dbSNP rs2514144368, ClinGen allele CA407081349.

ClinVar aggregate classification (germline): Likely pathogenic (1 of 4 stars; one submission).

Conditions:
Multiple acyl-CoA dehydrogenase deficiency (MADD). Also called: Glutaric Acidemia type 2; ETHYLMALONIC-ADIPICACIDURIA; GA II; Glutaric aciduria, type 2; Glutaric acidemia type II; GA 2. Identifiers: Orphanet 26791, MedGen C0268596, MONDO:0009282, OMIM 231680.

Submission:

Labcorp Genetics (formerly Invitae), Labcorp
Classification: Likely pathogenic for Multiple acyl-CoA dehydrogenase deficiency. Last evaluated: 2023-10-26. Review status: criteria provided, single submitter. Criteria: Invitae Variant Classification Sherloc (09022015). Collection method: clinical testing. Allele origin: germline.
Comment: This sequence change affects an acceptor splice site in intron 4 of the ETFB gene. It is expected to disrupt RNA splicing. Variants that disrupt the donor or acceptor splice site typically lead to a loss of protein function (PMID: 16199547), and loss-of-function variants in ETFB are known to be pathogenic (PMID: 16510302, 23785301). This variant is not present in population databases (gnomAD no frequency). This variant has not been reported in the literature in individuals affected with ETFB-related conditions. Algorithms developed to predict the effect of sequence changes on RNA splicing suggest that this variant may disrupt the consensus splice site. In summary, the currently available evidence indicates that the variant is pathogenic, but additional data are needed to prove that conclusively. Therefore, this variant has been classified as Likely Pathogenic.

Literature cited by the submitters: PubMed 16199547; PubMed 16510302; PubMed 23785301.